The following is an entry in ClinVar:

NM_002397.5(MEF2C):c.967T>A (p.Tyr323Asn)

Gene: MEF2C (myocyte enhancer factor 2C; minus strand). Cytogenetic location: 5q14.3.
Variant type: single nucleotide variant.
Coding change: c.967T>A on transcript NM_002397.5 (MANE Select); coding-DNA position 967, T replaced by A.
Protein change: p.Tyr323Asn; replaces tyrosine 323 with asparagine.
Molecular consequence: missense variant.
Genome position (GRCh38, 1-based): chr5:88,728,626, A>T on the plus strand (T>A on the coding strand, the complement: MEF2C is on the minus strand). VCF-style: chr5-88728626-A-T. GRCh37 (hg19) VCF-style: chr5-88024443-A-T.
Other names: c.937T>A, p.Tyr313Asn (NM_001131005.2, NM_001364343.2, NM_001364352.2); c.997T>A, p.Tyr333Asn (NM_001193347.1, NM_001364338.2); c.799T>A, p.Tyr267Asn (NM_001193348.1); c.823T>A, p.Tyr275Asn (NM_001193349.3, NM_001364332.2, NM_001364344.2 and 2 more transcripts); c.967T>A, p.Tyr323Asn (NM_001193350.2, NM_001363581.2, NM_001364329.2 and 9 more transcripts); c.943T>A, p.Tyr315Asn (NM_001308002.3, NM_001364333.2, NM_001364339.2 and 6 more transcripts); c.589T>A, p.Tyr197Asn (NM_001364353.2, NM_001364356.2); c.517T>A, p.Tyr173Asn (NM_001364357.2); short protein forms Y173N, Y197N, Y267N, Y275N, Y313N, Y315N, Y323N, Y333N.
Identifiers: ClinVar variation 2429771 (VCV002429771.2), dbSNP rs2546950737, ClinGen allele CA360422774.

ClinVar aggregate classification (germline): Likely benign (1 of 4 stars; one submission).

Conditions:
Seizure. Also called: Seizures. Identifiers: MedGen C0036572, HP:0001250.

Submission:

Cytogénomique, Hospices Civils de Lyon
Classification: Likely benign for Seizure. Review status: criteria provided, single submitter. Criteria: ACMG Guidelines, 2015. Collection method: clinical testing. Allele origin: paternal. Affected: yes. Observed: 1 variant allele, 1 heterozygote.